The following is an entry in ClinVar:

ClinVar aggregate classification (germline): Likely benign (0 of 4 stars; one submission).

Conditions:
MRAP2-related disorder. Also called: MRAP2-related condition.

gnomAD v4.1: 3 of 152,188 alleles (0.002%); highest among the groups gnomAD compares: African/African-American, 0.0072%; no homozygotes.

Submission:

PreventionGenetics, part of Exact Sciences
Classification: Likely benign for MRAP2-related condition. Last evaluated: 2021-10-18. Review status: no assertion criteria provided. Collection method: clinical testing. Allele origin: germline.
Comment: This variant is classified as likely benign based on ACMG/AMP sequence variant interpretation guidelines (Richards et al. 2015 PMID: 25741868, with internal and published modifications).

NM_138409.4(MRAP2):c.228-1812G>A

Gene: MRAP2 (melanocortin 2 receptor accessory protein 2; plus strand). Cytogenetic location: 6q14.2.
Variant type: single nucleotide variant.
Coding change: c.228-1812G>A on transcript NM_138409.4 (MANE Select); 1812 bases into the intron before coding-DNA position 228, G replaced by A.
Molecular consequence: intron variant. On other transcripts: synonymous variant (1).
Genome position (GRCh38, 1-based): chr6:84,087,279, G>A. VCF-style: chr6-84087279-G-A. GRCh37 (hg19) VCF-style: chr6-84796998-G-A.
Other names: c.60G>A, p.Arg20= (NM_001346543.2); c.228-1812G>A (NM_001346542.2, NM_001346544.2); c.-31-1812G>A (NM_001346541.2).
Identifiers: ClinVar variation 3357346 (VCV003357346.1).
Genomic context (GRCh38, chr6:84,087,279, plus strand): 5'-GATGAACATTGGTTCAGTCTGGAAAGGCGGGACTACTCGAAGCAGGGAGGGGACTTCCAG[G>A]TCGTAAGTAGATAAGAGACAATGGTTGCATTCTTTTGAGTTTCTGATTGACCTCTCCAAA-3'